The following is an entry in ClinVar:

ClinVar aggregate classification (germline): Uncertain significance (1 of 4 stars; one submission).

Conditions:
Oculofaciocardiodental syndrome (MCOPS2). Identifiers: Orphanet 2712, MedGen C1846265, MONDO:0010261, OMIM 300166.

Allele frequency attached by ClinVar (database versions not stated): gnomAD exomes below 0.00001; ExAC 0.00003; gnomAD 0.00003; TOPMed 0.00005.
gnomAD v4.1: 4 of 1,209,202 alleles (0.00033%); highest among the groups gnomAD compares: African/African-American, 0.007%; no homozygotes.

Submission:

Labcorp Genetics (formerly Invitae), Labcorp
Classification: Uncertain significance for Oculofaciocardiodental syndrome. Last evaluated: 2022-03-12. Review status: criteria provided, single submitter. Criteria: Invitae Variant Classification Sherloc (09022015). Collection method: clinical testing. Allele origin: germline.
Comment: In summary, the available evidence is currently insufficient to determine the role of this variant in disease. Therefore, it has been classified as a Variant of Uncertain Significance. Algorithms developed to predict the effect of missense changes on protein structure and function are either unavailable or do not agree on the potential impact of this missense change (SIFT: "Deleterious"; PolyPhen-2: "Benign"; Align-GVGD: "Class C0"). This variant has not been reported in the literature in individuals affected with BCOR-related conditions. This variant is present in population databases (rs779756747, gnomAD 0.03%). This sequence change replaces serine, which is neutral and polar, with cysteine, which is neutral and slightly polar, at codon 135 of the BCOR protein (p.Ser135Cys).

NM_001123385.2(BCOR):c.404C>G (p.Ser135Cys)

Gene: BCOR (BCL6 corepressor; minus strand). Cytogenetic location: Xp11.4.
Variant type: single nucleotide variant.
Coding change: c.404C>G on transcript NM_001123385.2 (MANE Select); coding-DNA position 404, C replaced by G.
Protein change: p.Ser135Cys; replaces serine 135 with cysteine.
Molecular consequence: missense variant.
Genome position (GRCh38, 1-based): chrX:40,074,942, G>C on the plus strand (C>G on the coding strand, the complement: BCOR is on the minus strand). VCF-style: chrX-40074942-G-C. GRCh37 (hg19) VCF-style: chrX-39934195-G-C.
Other names: c.404C>G, p.Ser135Cys (NM_001123383.2, NM_001123384.2, NM_017745.6); short protein forms S135C.
Identifiers: ClinVar variation 2193115 (VCV002193115.4), dbSNP rs779756747, ClinGen allele CA10387047.